The following is an entry in ClinVar:

ClinVar aggregate classification (germline): Pathogenic (1 of 4 stars; one submission).

Submission:

Labcorp Genetics (formerly Invitae), Labcorp
Classification: Pathogenic. Last evaluated: 2022-08-28. Review status: criteria provided, single submitter. Criteria: Invitae Variant Classification Sherloc (09022015). Collection method: clinical testing. Allele origin: germline.
Comment: This variant is a gross deletion of the genomic region encompassing exon(s) 26 of the PCDH15 gene. This deletion is out-of-frame, and is expected to create a premature termination codon and result in an absent or disrupted protein product. Loss-of-function variants in PCDH15 are known to be pathogenic (PMID: 11398101, 11487575, 14570705). For these reasons, this variant has been classified as Pathogenic. A similar copy number variant has been observed in individual(s) with Usher syndrome (PMID: 27743452).

Literature cited by the submitters: PubMed 11398101; PubMed 11487575; PubMed 14570705; PubMed 27743452.

NC_000010.11:g.(?_53903233)_(53903380_?)del

Gene: PCDH15 (protocadherin related 15; minus strand). Cytogenetic location: 10q21.1.
Variant type: Deletion.
Identifiers: ClinVar variation 832984 (VCV000832984.8).